The following is an entry in ClinVar:

ClinVar aggregate classification (germline): Benign/Likely benign. Review status: criteria provided, multiple submitters, no conflicts (2 of 4 stars). 5 submissions from 5 submitters: Benign (1); Likely benign (4). Last evaluated 2026-07-01.

Conditions:
Prolidase deficiency. Identifiers: Orphanet 742, MedGen C0268532, MONDO:0008221, OMIM 170100.

Allele frequency attached by ClinVar (database versions not stated): 1000 Genomes Project 30x 0.00125; 1000 Genomes Project 0.00140; TOPMed 0.00318; gnomAD exomes 0.00348 and 0.00545; ESP Exome Variant Server 0.00366; gnomAD 0.00402 and 0.00426; ExAC 0.00518.
gnomAD v4.1: 8,407 of 1,593,482 alleles (0.53%); highest among the groups gnomAD compares: Non-Finnish European, 0.63%; 34 homozygotes.

Submissions (5):

CeGaT Center for Human Genetics Tuebingen
Classification: Likely benign. Last evaluated: 2026-07-01. Review status: criteria provided, single submitter. Criteria: CeGaT Center For Human Genetics Tuebingen Variant Classification Criteria Version 2. Collection method: clinical testing. Allele origin: germline. Affected: yes. Observed: 10 variant alleles.
Comment: PEPD: BP4, BS2

Labcorp Genetics (formerly Invitae), Labcorp
Classification: Benign. Last evaluated: 2026-02-01. Review status: criteria provided, single submitter. Criteria: Invitae Variant Classification Sherloc (09022015). Collection method: clinical testing. Allele origin: germline.

Mayo Clinic Laboratories, Mayo Clinic
Classification: Likely benign. Last evaluated: 2025-08-19. Review status: criteria provided, single submitter. Criteria: ACMG Guidelines, 2015. Collection method: clinical testing. Allele origin: germline. Observed: 3 variant alleles.
Comment: BA1

Illumina Laboratory Services, Illumina
Classification: Likely benign for Prolidase deficiency. Last evaluated: 2018-01-13. Review status: criteria provided, single submitter. Criteria: ICSL Variant Classification Criteria 13 December 2019. Collection method: clinical testing. Allele origin: germline.
Comment: This variant was observed in the ICSL laboratory as part of a predisposition screen in an ostensibly healthy population. It had not been previously curated by ICSL or reported in the Human Gene Mutation Database (HGMD: prior to June 1st, 2018), and was therefore a candidate for classification through an automated scoring system. Utilizing variant allele frequency, disease prevalence and penetrance estimates, and inheritance mode, an automated score was calculated to assess if this variant is too frequent to cause the disease. Based on the score and internal cut-off values, a variant classified as likely benign is not then subjected to further curation. The score for this variant resulted in a classification of likely benign for this disease.

Breakthrough Genomics
Classification: Likely benign. Review status: criteria provided, single submitter. Criteria: ACMG Guidelines, 2015. Collection method: not provided. Allele origin: germline. Inheritance: Autosomal recessive inheritance. Affected: yes.

NM_000285.4(PEPD):c.1256A>G (p.Asp419Gly)

Gene: PEPD (peptidase D; minus strand). Cytogenetic location: 19q13.11.
Variant type: single nucleotide variant.
Coding change: c.1256A>G on transcript NM_000285.4 (MANE Select); coding-DNA position 1256, A replaced by G.
Protein change: p.Asp419Gly; replaces aspartic acid 419 with glycine.
Molecular consequence: missense variant.
Genome position (GRCh38, 1-based): chr19:33,387,978, T>C on the plus strand (A>G on the coding strand, the complement: PEPD is on the minus strand). VCF-style: chr19-33387978-T-C. GRCh37 (hg19) VCF-style: chr19-33878884-T-C.
Other names: p.Asp419Gly; c.1133A>G, p.Asp378Gly (NM_001166056.2); c.1064A>G, p.Asp355Gly (NM_001166057.2); short protein forms D355G, D378G, D419G.
Identifiers: ClinVar variation 782167 (VCV000782167.40), dbSNP rs142070498, ClinGen allele CA9363946.